The following is an entry in ClinVar:

ClinVar aggregate classification (germline): Conflicting classifications of pathogenicity. Review status: criteria provided, conflicting classifications (1 of 4 stars). 6 submissions from 4 submitters: Uncertain significance (1); Likely benign (5). Last evaluated 2025-12-24.

Conditions:
Cockayne spectrum with or without cerebrooculofacioskeletal syndrome. Identifiers: MedGen CN315928, MONDO:0100506.
Age related macular degeneration 5. Identifiers: MedGen C3151063, MONDO:0013409, OMIM 613761.
Cerebrooculofacioskeletal syndrome 1 (COFS1). Also called: Cerebro-oculo-facio-skeletal syndrome 1. Identifiers: MedGen C0220722, MONDO:0008955, OMIM 214150.
Cockayne syndrome type 2 (CSB). Also called: COCKAYNE SYNDROME B; Cockayne Syndrome, Type II. Identifiers: Orphanet 191, Orphanet 90322, MedGen C0751038, MONDO:0019570, OMIM 133540.

Allele frequency attached by ClinVar (database versions not stated): gnomAD 0.00007 and 0.00011; gnomAD exomes 0.00009 and 0.00021; TOPMed 0.00012; 1000 Genomes Project 30x 0.00016; 1000 Genomes Project 0.00020; ExAC 0.00022.
gnomAD v4.1: 156 of 1,614,200 alleles (0.0097%); highest among the groups gnomAD compares: East Asian, 0.2%; no homozygotes.

Submissions (6):

Labcorp Genetics (formerly Invitae), Labcorp
Classification: Likely benign. Last evaluated: 2025-12-24. Review status: criteria provided, single submitter. Criteria: Invitae Variant Classification Sherloc (09022015). Collection method: clinical testing. Allele origin: germline.

Myriad Genetics, Inc.
Classification: Uncertain significance for Cockayne spectrum with or without cerebrooculofacioskeletal syndrome. Last evaluated: 2025-10-22. Review status: criteria provided, single submitter. Criteria: Myriad Autosomal Dominant, Autosomal Recessive and X-Linked Classification Criteria (2023). Collection method: clinical testing. Allele origin: unknown.
Comment: NM_000124.2(ERCC6):c.379G>A(V127I) is a missense variant classified as a variant of uncertain significance in the context of ERCC6-related disorders. V127I has not been observed in cases with relevant disease. Relevant functional assessments of this variant are not available in the literature. V127I has been observed in referenced population frequency databases. In summary, there is insufficient evidence to classify NM_000124.2(ERCC6):c.379G>A(V127I) as pathogenic or benign. Please note: this variant was assessed in the context of healthy population screening.

CeGaT Center for Human Genetics Tuebingen
Classification: Likely benign. Last evaluated: 2024-01-01. Review status: criteria provided, single submitter. Criteria: CeGaT Center For Human Genetics Tuebingen Variant Classification Criteria Version 2. Collection method: clinical testing. Allele origin: germline. Affected: yes. Observed: 1 variant allele.
Comment: ERCC6: BP4

Illumina Laboratory Services, Illumina
Classification: Likely benign for Cerebrooculofacioskeletal syndrome 1. Last evaluated: 2017-04-27. Review status: criteria provided, single submitter. Criteria: ICSL Variant Classification Criteria 13 December 2019. Collection method: clinical testing. Allele origin: germline.
Comment: This variant was observed as part of a predisposition screen in an ostensibly healthy population. A literature search was performed for the gene, cDNA change, and amino acid change (where applicable). No publications were found based on this search. Allele frequency data from public databases allowed determination this variant is unlikely to cause disease. Therefore, this variant is classified as likely benign.

Illumina Laboratory Services, Illumina
Classification: Likely benign for Age related macular degeneration 5. Last evaluated: 2017-04-27. Review status: criteria provided, single submitter. Criteria: ICSL Variant Classification Criteria 13 December 2019. Collection method: clinical testing. Allele origin: germline.
Comment: the same text as in the submission from Illumina Laboratory Services, Illumina above.

Illumina Laboratory Services, Illumina
Classification: Likely benign for Cockayne syndrome type 2. Last evaluated: 2017-04-27. Review status: criteria provided, single submitter. Criteria: ICSL Variant Classification Criteria 13 December 2019. Collection method: clinical testing. Allele origin: germline.
Comment: the same text as in the submission from Illumina Laboratory Services, Illumina above.

NM_000124.4(ERCC6):c.379G>A (p.Val127Ile)

Gene: ERCC6 (ERCC excision repair 6, chromatin remodeling factor; minus strand). Cytogenetic location: 10q11.23.
Variant type: single nucleotide variant.
Coding change: c.379G>A on transcript NM_000124.4 (MANE Select); coding-DNA position 379, G replaced by A.
Protein change: p.Val127Ile; replaces valine 127 with isoleucine.
Molecular consequence: missense variant.
Genome position (GRCh38, 1-based): chr10:49,532,586, C>T on the plus strand (G>A on the coding strand, the complement: ERCC6 is on the minus strand). VCF-style: chr10-49532586-C-T. GRCh37 (hg19) VCF-style: chr10-50740632-C-T.
Other names: c.379G>A, p.Val127Ile (NM_001277058.2, NM_001277059.2, NM_001346440.2); short protein forms V127I.
Identifiers: ClinVar variation 300095 (VCV000300095.38), dbSNP rs116275562, ClinGen allele CA5496563.